The following is an entry in ClinVar:

NM_001170629.2(CHD8):c.5489G>A (p.Arg1830His)

Gene: CHD8 (chromodomain helicase DNA binding protein 8; minus strand). Cytogenetic location: 14q11.2.
Variant type: single nucleotide variant.
Coding change: c.5489G>A on transcript NM_001170629.2 (MANE Select); coding-DNA position 5489, G replaced by A.
Protein change: p.Arg1830His; replaces arginine 1830 with histidine.
Molecular consequence: missense variant.
Genome position (GRCh38, 1-based): chr14:21,394,387, C>T on the plus strand (G>A on the coding strand, the complement: CHD8 is on the minus strand). VCF-style: chr14-21394387-C-T. GRCh37 (hg19) VCF-style: chr14-21862546-C-T.
Other names: c.4652G>A, p.Arg1551His (NM_020920.4); short protein forms R1551H, R1830H.
Identifiers: ClinVar variation 1723600 (VCV001723600.24), dbSNP rs1308666377, ClinGen allele CA388883221.

ClinVar aggregate classification (germline): Uncertain significance. Review status: criteria provided, multiple submitters, no conflicts (2 of 4 stars). 4 submissions from 4 submitters: Uncertain significance (4). Last evaluated 2025-12-18.

Conditions:
Intellectual developmental disorder with autism and macrocephaly. Also called: Autism, susceptibility to, 18; CHD8-Related Neurodevelopmental Disorder with Overgrowth. Identifiers: Orphanet 642675, MedGen C3554373, MONDO:0014017, OMIM 615032.
Inborn genetic diseases. Identifiers: MedGen C0950123, MeSH D030342.

Allele frequency attached by ClinVar (database versions not stated): gnomAD exomes 0.00001; TOPMed 0.00001.
gnomAD v4.1: 11 of 1,613,744 alleles (0.00068%); highest among the groups gnomAD compares: Non-Finnish European, 0.00068%; no homozygotes.

Submissions (4):

Genetics Department, Catlab
Classification: Uncertain significance for Intellectual developmental disorder with autism and macrocephaly. Last evaluated: 2025-12-18. Review status: criteria provided, single submitter. Criteria: ACMG Guidelines, 2015. Collection method: clinical testing. Allele origin: germline. Affected: yes.
Comment: The c.5489G>A missense variant changes an arginine at position 1830 of the protein for an histidine. The variant has a low frequency in gnomAD v4.1 (AF=0.000006816) (PM2_moderate) and has a REVEL score of 0.914 (PP3_moderate). The missense z-score associated to CHD8 With all the available evidence, the variant is classified as of uncertain significance.

CeGaT Center for Human Genetics Tuebingen
Classification: Uncertain significance. Last evaluated: 2024-06-01. Review status: criteria provided, single submitter. Criteria: CeGaT Center For Human Genetics Tuebingen Variant Classification Criteria Version 2. Collection method: clinical testing. Allele origin: germline. Affected: yes. Observed: 1 variant allele.
Comment: CHD8: PM2, PM5, PP3

Ambry Genetics
Classification: Uncertain significance for Inborn genetic diseases. Last evaluated: 2022-10-12. Review status: criteria provided, single submitter. Criteria: Ambry Variant Classification Scheme 2023. Collection method: clinical testing. Allele origin: germline.

GeneDx
Classification: Uncertain significance. Last evaluated: 2022-05-10. Review status: criteria provided, single submitter. Criteria: GeneDx Variant Classification Process June 2021. Collection method: clinical testing. Allele origin: germline. Affected: yes.
Comment: Not observed at significant frequency in large population cohorts (gnomAD); In silico analysis supports that this missense variant has a deleterious effect on protein structure/function; Has not been previously published as pathogenic or benign to our knowledge